The following is an entry in ClinVar:

NM_181703.4(GJA5):c.525C>G (p.Tyr175Ter)

Gene: GJA5 (gap junction protein alpha 5; minus strand). Cytogenetic location: 1q21.2.
Variant type: single nucleotide variant.
Coding change: c.525C>G on transcript NM_181703.4 (MANE Select); coding-DNA position 525, C replaced by G.
Protein change: p.Tyr175Ter; replaces tyrosine 175 with a stop codon.
Molecular consequence: nonsense.
Genome position (GRCh38, 1-based): chr1:147,758,714, G>C on the plus strand (C>G on the coding strand, the complement: GJA5 is on the minus strand). VCF-style: chr1-147758714-G-C. GRCh37 (hg19) VCF-style: chr1-147230822-G-C.
Other names: c.525C>G, p.Tyr175Ter (NM_005266.7); short protein forms Y175*.
Identifiers: ClinVar variation 1034934 (VCV001034934.6), dbSNP rs149441155, ClinGen allele CA342395807.

ClinVar aggregate classification (germline): Uncertain significance (1 of 4 stars; one submission).

Conditions:
Atrial standstill 1 (ATRST1). Also called: ATRIAL CARDIOMYOPATHY WITH HEART BLOCK; CARDIOMYOPATHY, FAMILIAL, WITH CONDUCTION DISTURBANCE; Atrial standstill, digenic (GJA5/SCN5A). Identifiers: Orphanet 1344, MedGen C4551959, MONDO:0007171, OMIM 108770.
Atrial fibrillation, familial, 11 (ATFB11). Identifiers: MedGen C3279693, MONDO:0013544, OMIM 614049.

Submission:

Labcorp Genetics (formerly Invitae), Labcorp
Classification: Uncertain significance for Atrial fibrillation, familial, 11; Atrial standstill 1. Last evaluated: 2020-08-19. Review status: criteria provided, single submitter. Criteria: Invitae Variant Classification Sherloc (09022015). Collection method: clinical testing. Allele origin: germline.
Comment: In summary, the available evidence is currently insufficient to determine the role of this variant in disease. Therefore, it has been classified as a Variant of Uncertain Significance. Algorithms developed to predict the effect of sequence changes on RNA splicing suggest that this variant may create or strengthen a splice site, but this prediction has not been confirmed by published transcriptional studies. This sequence change results in a premature translational stop signal in the GJA5 gene (p.Tyr175*). While this is not anticipated to result in nonsense mediated decay, it is expected to disrupt the last 184 amino acids of the GJA5 protein. This variant is not present in population databases (ExAC no frequency). This variant has not been reported in the literature in individuals with GJA5-related conditions.